The following is an entry in ClinVar:

ClinVar aggregate classification (germline): Uncertain significance. Review status: criteria provided, multiple submitters, no conflicts (2 of 4 stars). 3 submissions from 3 submitters: Uncertain significance (3). Last evaluated 2024-10-29.

Conditions:
Leber congenital amaurosis 4 (LCA4). Identifiers: MedGen C1858386, MONDO:0011458, OMIM 604393.
Inborn genetic diseases. Identifiers: MedGen C0950123, MeSH D030342.

Allele frequency attached by ClinVar (database versions not stated): gnomAD exomes 0.00001.
gnomAD v4.1: 3 of 1,606,316 alleles (0.00019%); highest among the groups gnomAD compares: Admixed American, 0.0033%; no homozygotes.

Submissions (3):

Ambry Genetics
Classification: Uncertain significance for Inborn genetic diseases. Last evaluated: 2024-10-29. Review status: criteria provided, single submitter. Criteria: Ambry Variant Classification Scheme 2023. Collection method: clinical testing. Allele origin: germline.

Blueprint Genetics
Classification: Uncertain significance. Last evaluated: 2022-12-09. Review status: criteria provided, single submitter. Criteria: ACMG Guidelines, 2015. Collection method: clinical testing. Allele origin: germline.

Labcorp Genetics (formerly Invitae), Labcorp
Classification: Uncertain significance for Leber congenital amaurosis 4. Last evaluated: 2021-08-30. Review status: criteria provided, single submitter. Criteria: Invitae Variant Classification Sherloc (09022015). Collection method: clinical testing. Allele origin: germline.
Comment: This sequence change replaces proline with serine at codon 375 of the AIPL1 protein (p.Pro375Ser). The proline residue is weakly conserved and there is a moderate physicochemical difference between proline and serine. This variant is not present in population databases (ExAC no frequency). This variant has not been reported in the literature in individuals affected with AIPL1-related conditions. Algorithms developed to predict the effect of missense changes on protein structure and function are either unavailable or do not agree on the potential impact of this missense change (SIFT: "Tolerated"; PolyPhen-2: "Not Available"; Align-GVGD: "Class C0"). In summary, the available evidence is currently insufficient to determine the role of this variant in disease. Therefore, it has been classified as a Variant of Uncertain Significance.

NM_014336.5(AIPL1):c.1123C>T (p.Pro375Ser)

Gene: AIPL1 (AIP like 1 HSP90 co-chaperone; minus strand). Cytogenetic location: 17p13.2.
Variant type: single nucleotide variant.
Coding change: c.1123C>T on transcript NM_014336.5 (MANE Select); coding-DNA position 1123, C replaced by T.
Protein change: p.Pro375Ser; replaces proline 375 with serine.
Molecular consequence: missense variant. On other transcripts: 3 prime UTR variant (1).
Genome position (GRCh38, 1-based): chr17:6,425,492, G>A on the plus strand (C>T on the coding strand, the complement: AIPL1 is on the minus strand). VCF-style: chr17-6425492-G-A. GRCh37 (hg19) VCF-style: chr17-6328812-G-A.
Other names: c.934C>T, p.Pro312Ser (NM_001033054.3); c.943C>T, p.Pro315Ser (NM_001033055.3); c.1087C>T, p.Pro363Ser (NM_001285399.3); c.1057C>T, p.Pro353Ser (NM_001285400.3); c.1051C>T, p.Pro351Ser (NM_001285401.3); c.1006C>T, p.Pro336Ser (NM_001285402.2); c.*1094C>T (NM_001285403.4); c.1123C>T (NM_014336.3); short protein forms P353S, P351S, P312S, P315S, P336S, P363S, P375S.
Identifiers: ClinVar variation 1411044 (VCV001411044.7), dbSNP rs1567634365, ClinGen allele CA397394218.
Genomic context (GRCh38, chr17:6,425,492, plus strand): 5'-GCCTGGGTGGCTGTGGGCCTCAGGGGGCTCAGTGCTGCAGCGAGTGCCCTGGGGACGGGG[G>A]TGGCTCTGTGGCTGGCTCTGCAGGGGGCCCTGCGGACAGCTCTGCAGATGGTGCTGTGGG-3'
Protein context (NP_055151.3, residues 365-384): GPPAEPATEP[Pro375Ser]PSPGHSLQH